The following is an entry in ClinVar:

NM_001754.5(RUNX1):c.1313G>A (p.Gly438Asp)

Gene: RUNX1 (RUNX family transcription factor 1; minus strand). Cytogenetic location: 21q22.12.
Variant type: single nucleotide variant.
Coding change: c.1313G>A on transcript NM_001754.5 (MANE Select); coding-DNA position 1313, G replaced by A.
Protein change: p.Gly438Asp; replaces glycine 438 with aspartic acid.
Molecular consequence: missense variant.
Genome position (GRCh38, 1-based): chr21:34,792,265, C>T on the plus strand (G>A on the coding strand, the complement: RUNX1 is on the minus strand). VCF-style: chr21-34792265-C-T. GRCh37 (hg19) VCF-style: chr21-36164562-C-T.
Other names: NM_001754.5(RUNX1):c.1313G>A; p.Gly438Asp; c.1313G>A (NM_001754.4); c.1232G>A, p.Gly411Asp (NM_001001890.3); short protein forms G438D, G411D.
Identifiers: ClinVar variation 1037280 (VCV001037280.10), dbSNP rs2056450088, ClinGen allele CA410147404.

ClinVar aggregate classification (germline): Uncertain significance. Review status: reviewed by expert panel (3 of 4 stars). 3 submissions from 3 submitters: Uncertain significance (1). 2 of the submissions do not count toward it. Last evaluated 2025-01-15.

Conditions:
Hereditary thrombocytopenia and hematological cancer predisposition syndrome associated with RUNX1. Also called: PLATELET DISORDER, ASPIRIN-LIKE; Familial Platelet Disorder with Propensity to Acute Myelogenous Leukemia; Familial thrombocytopenia with propensity to acute myelogenous leukemia; RUNX1 Familial Platelet Disorder with Associated Myeloid Malignancies. Identifiers: Orphanet 71290, MedGen C1832388, MeSH C563324, MONDO:0100083, OMIM 601399.
Inborn genetic diseases. Identifiers: MedGen C0950123, MeSH D030342.
Hereditary thrombocytopenia and hematologic cancer predisposition syndrome. Identifiers: Orphanet 71290, MedGen CN281654, MONDO:0011071.

Submissions (3):

ClinGen Myeloid Malignancy Variant Curation Expert Panel
Classification: Uncertain significance for Hereditary thrombocytopenia and hematologic cancer predisposition syndrome. Last evaluated: 2025-01-15. Review status: reviewed by expert panel. Criteria: ClinGen MyeloMalig ACMG Specifications v2. Collection method: curation. Allele origin: germline. Inheritance: Autosomal dominant inheritance.
Comment: NM_001754.5(RUNX1):c.1313G>A (p.Gly438Asp) is a missense variant which has a REVEL score < 0.50 (0.282) and a SpliceAI score ≤ 0.20 (0.0) (BP4). This variant is completely absent from all population databases with at least 20x coverage for RUNX1 (PM2_Supporting). In summary, the clinical significance of this variant is uncertain. ACMG/AMP criteria applied, as specified by the Myeloid Malignancy Variant Curation Expert Panel for RUNX1: BP4, PM2_supporting.

Ambry Genetics
Classification: Uncertain significance for Inborn genetic diseases. Last evaluated: 2025-09-28. Review status: criteria provided, single submitter. Criteria: Ambry Variant Classification Scheme 2023. Collection method: clinical testing. Allele origin: germline. Not counted in ClinVar's aggregate classification.
Comment: The p.G438D variant (also known as c.1313G>A), located in coding exon 8 of the RUNX1 gene, results from a G to A substitution at nucleotide position 1313. The glycine at codon 438 is replaced by aspartic acid, an amino acid with similar properties. This amino acid position is conserved. In addition, this alteration is predicted to be tolerated by in silico analysis. Based on the available evidence, the clinical significance of this variant remains unclear.

Labcorp Genetics (formerly Invitae), Labcorp
Classification: Uncertain significance for Hereditary thrombocytopenia and hematological cancer predisposition syndrome associated with RUNX1. Last evaluated: 2020-04-08. Review status: criteria provided, single submitter. Criteria: Invitae Variant Classification Sherloc (09022015). Collection method: clinical testing. Allele origin: germline. Not counted in ClinVar's aggregate classification.
Comment: Algorithms developed to predict the effect of missense changes on protein structure and function are either unavailable or do not agree on the potential impact of this missense change (SIFT: "Tolerated"; PolyPhen-2: "Probably Damaging"; Align-GVGD: "Class C0"). This variant has not been reported in the literature in individuals with RUNX1-related conditions. The frequency data for this variant in the population databases is considered unreliable, as metrics indicate insufficient coverage at this position in the ExAC database. This sequence change replaces glycine with aspartic acid at codon 438 of the RUNX1 protein (p.Gly438Asp). The glycine residue is highly conserved and there is a moderate physicochemical difference between glycine and aspartic acid. In summary, the available evidence is currently insufficient to determine the role of this variant in disease. Therefore, it has been classified as a Variant of Uncertain Significance.